The following is an entry in ClinVar:

ClinVar aggregate classification (germline): Uncertain significance (1 of 4 stars; one submission).

Conditions:
Hereditary cancer-predisposing syndrome. Also called: Tumor predisposition; Neoplastic Syndromes, Hereditary; Hereditary Cancer Syndrome; Hereditary neoplastic syndrome. Identifiers: Orphanet 140162, MedGen C0027672, MeSH D009386, MONDO:0015356.

Submission:

Ambry Genetics
Classification: Uncertain significance for Hereditary cancer-predisposing syndrome. Last evaluated: 2020-09-29. Review status: criteria provided, single submitter. Criteria: Ambry Variant Classification Scheme 2023. Collection method: clinical testing. Allele origin: germline.
Comment: The p.K1047I variant (also known as c.3140A>T), located in coding exon 20 of the ATM gene, results from an A to T substitution at nucleotide position 3140. The lysine at codon 1047 is replaced by isoleucine, an amino acid with dissimilar properties. This amino acid position is not well conserved in available vertebrate species. In addition, the in silico prediction for this alteration is inconclusive. Since supporting evidence is limited at this time, the clinical significance of this alteration remains unclear.

NM_000051.4(ATM):c.3140A>T (p.Lys1047Ile)

Gene: ATM (ATM serine/threonine kinase; plus strand). Cytogenetic location: 11q22.3.
Variant type: single nucleotide variant.
Coding change: c.3140A>T on transcript NM_000051.4 (MANE Select); coding-DNA position 3140, A replaced by T.
Protein change: p.Lys1047Ile; replaces lysine 1047 with isoleucine.
Molecular consequence: missense variant.
Genome position (GRCh38, 1-based): chr11:108,272,594, A>T. VCF-style: chr11-108272594-A-T. GRCh37 (hg19) VCF-style: chr11-108143321-A-T.
Other names: c.3140A>T, p.Lys1047Ile (NM_001351834.2); short protein forms K1047I.
Identifiers: ClinVar variation 1728086 (VCV001728086.2), dbSNP rs2135566583, ClinGen allele CA382515328.